The following is an entry in ClinVar:

NM_001017995.3(SH3PXD2B):c.1543G>A (p.Asp515Asn)

Gene: SH3PXD2B (SH3 and PX domains 2B; minus strand). Cytogenetic location: 5q35.1.
Variant type: single nucleotide variant.
Coding change: c.1543G>A on transcript NM_001017995.3 (MANE Select); coding-DNA position 1543, G replaced by A.
Protein change: p.Asp515Asn; replaces aspartic acid 515 with asparagine.
Molecular consequence: missense variant. On other transcripts: intron variant (1).
Genome position (GRCh38, 1-based): chr5:172,339,562, C>T on the plus strand (G>A on the coding strand, the complement: SH3PXD2B is on the minus strand). VCF-style: chr5-172339562-C-T. GRCh37 (hg19) VCF-style: chr5-171766566-C-T.
Other names: c.1188+6574G>A (NM_001308175.2); short protein forms D515N.
Identifiers: ClinVar variation 352810 (VCV000352810.21), dbSNP rs62621449, ClinGen allele CA3561158.

ClinVar aggregate classification (germline): Benign/Likely benign. Review status: criteria provided, multiple submitters, no conflicts (2 of 4 stars). 5 submissions from 5 submitters: Benign (3); Likely benign (2). Last evaluated 2026-01-27.

Conditions:
Frank-Ter Haar syndrome. Also called: Borrone di Rocco Crovato syndrome; TER HAAR SYNDROME; MELNICK-NEEDLES SYNDROME, AUTOSOMAL RECESSIVE; BORRONE DERMATOCARDIOSKELETAL SYNDROME. Identifiers: Orphanet 1266, Orphanet 137834, MedGen C1855305, MONDO:0009579, OMIM 249420.

Allele frequency attached by ClinVar (database versions not stated): gnomAD exomes 0.00233; ExAC 0.00296; gnomAD 0.00927 and 0.00992; ESP Exome Variant Server 0.01007; TOPMed 0.01116; 1000 Genomes Project 0.01278; 1000 Genomes Project 30x 0.01312.
gnomAD v4.1: 2,779 of 1,614,182 alleles (0.17%); highest among the groups gnomAD compares: African/African-American, 3.2%; 47 homozygotes.

Submissions (5):

Labcorp Genetics (formerly Invitae), Labcorp
Classification: Benign. Last evaluated: 2026-01-27. Review status: criteria provided, single submitter. Criteria: Invitae Variant Classification Sherloc (09022015). Collection method: clinical testing. Allele origin: germline.

GeneDx
Classification: Likely benign. Last evaluated: 2023-08-25. Review status: criteria provided, single submitter. Criteria: GeneDx Variant Classification Process June 2021. Collection method: clinical testing. Allele origin: germline. Affected: yes.
Comment: See Variant Classification Assertion Criteria.

Illumina Laboratory Services, Illumina
Classification: Benign for Frank-Ter Haar syndrome. Last evaluated: 2018-01-13. Review status: criteria provided, single submitter. Criteria: ICSL Variant Classification Criteria 13 December 2019. Collection method: clinical testing. Allele origin: germline.
Comment: This variant was observed in the ICSL laboratory as part of a predisposition screen in an ostensibly healthy population. It had not been previously curated by ICSL or reported in the Human Gene Mutation Database (HGMD: prior to June 1st, 2018), and was therefore a candidate for classification through an automated scoring system. Utilizing variant allele frequency, disease prevalence and penetrance estimates, and inheritance mode, an automated score was calculated to assess if this variant is too frequent to cause the disease. Based on the score and internal cut-off values, a variant classified as benign is not then subjected to further curation. The score for this variant resulted in a classification of benign for this disease.

Center for Pediatric Genomic Medicine, Children's Mercy Hospital and Clinics
Classification: Benign. Last evaluated: 2017-01-09. Review status: criteria provided, single submitter. Criteria: ACMG Guidelines, 2015. Collection method: clinical testing. Allele origin: germline.

Breakthrough Genomics
Classification: Likely benign. Review status: criteria provided, single submitter. Criteria: ACMG Guidelines, 2015. Collection method: not provided. Allele origin: germline. Inheritance: Autosomal recessive inheritance. Affected: yes.